The following is an entry in ClinVar:

NM_000520.6(HEXA):c.570+3A>C

Gene: HEXA (hexosaminidase subunit alpha; minus strand). Cytogenetic location: 15q23.
Variant type: single nucleotide variant.
Coding change: c.570+3A>C on transcript NM_000520.6 (MANE Select); 3 bases into the intron after coding-DNA position 570, A replaced by C.
Molecular consequence: intron variant.
Genome position (GRCh38, 1-based): chr15:72,353,065, T>G on the plus strand (A>C on the coding strand, the complement: HEXA is on the minus strand). VCF-style: chr15-72353065-T-G. GRCh37 (hg19) VCF-style: chr15-72645406-T-G.
Other names: c.603+3A>C (NM_001318825.2).
Identifiers: ClinVar variation 2188522 (VCV002188522.1), dbSNP rs2542532351, ClinGen allele CA2575781254.
Genomic context (GRCh38, chr15:72,353,065, plus strand): 5'-TCTGTCCGTTGCTCCATCACCCTAGAACTCTTAAGTGTGAAGAAGGCCTTAAGGCCTGGT[T>G]ACCAGAGTGTCCAGGATGCTAGAGAGTGGCAGGTAATGGCGAGATGTATCCAACAGCAAG-3'

ClinVar aggregate classification (germline): Uncertain significance (1 of 4 stars; one submission).

Conditions:
Tay-Sachs disease (TSD). Also called: GM2 gangliosidosis, type 1; Hexosaminidase alpha-subunit deficiency (variant B); Sphingolipidosis, Tay-Sachs; HEXA DEFICIENCY; Hexosaminidase A Deficiency; HEXA Disorders. Identifiers: Orphanet 845, MedGen C0039373, MONDO:0010100, OMIM 272800.

Submission:

Labcorp Genetics (formerly Invitae), Labcorp
Classification: Uncertain significance for Tay-Sachs disease. Last evaluated: 2022-03-20. Review status: criteria provided, single submitter. Criteria: Invitae Variant Classification Sherloc (09022015). Collection method: clinical testing. Allele origin: germline.
Comment: This sequence change falls in intron 5 of the HEXA gene. It does not directly change the encoded amino acid sequence of the HEXA protein. It affects a nucleotide within the consensus splice site. This variant is not present in population databases (gnomAD no frequency). This variant has not been reported in the literature in individuals affected with HEXA-related conditions. Variants that disrupt the consensus splice site are a relatively common cause of aberrant splicing (PMID: 17576681, 9536098). Algorithms developed to predict the effect of sequence changes on RNA splicing suggest that this variant may disrupt the consensus splice site. In summary, the available evidence is currently insufficient to determine the role of this variant in disease. Therefore, it has been classified as a Variant of Uncertain Significance.

Literature cited by the submitters: PubMed 17576681; PubMed 9536098.